The following is an entry in ClinVar:

NM_015910.7(WDPCP):c.547A>G (p.Lys183Glu)

Gene: WDPCP (WD repeat containing planar cell polarity effector; minus strand). Cytogenetic location: 2p15.
Variant type: single nucleotide variant.
Coding change: c.547A>G on transcript NM_015910.7 (MANE Select); coding-DNA position 547, A replaced by G.
Protein change: p.Lys183Glu; replaces lysine 183 with glutamic acid.
Molecular consequence: missense variant. On other transcripts: non-coding transcript variant (3).
Genome position (GRCh38, 1-based): chr2:63,437,507, T>C on the plus strand (A>G on the coding strand, the complement: WDPCP is on the minus strand). VCF-style: chr2-63437507-T-C. GRCh37 (hg19) VCF-style: chr2-63664641-T-C.
Other names: c.70A>G, p.Lys24Glu (NM_001042692.3); c.475A>G, p.Lys159Glu (NM_001354044.2); c.547A>G, p.Lys183Glu (NM_001354045.2); short protein forms K159E, K183E, K24E.
Identifiers: ClinVar variation 3345727 (VCV003345727.1).

ClinVar aggregate classification (germline): Uncertain significance (0 of 4 stars; one submission).

Conditions:
WDPCP-related disorder. Also called: WDPCP-related condition.

Submission:

PreventionGenetics, part of Exact Sciences
Classification: Uncertain significance for WDPCP-related condition. Last evaluated: 2024-08-23. Review status: no assertion criteria provided. Collection method: clinical testing. Allele origin: germline.
Comment: The WDPCP c.547A>G variant is predicted to result in the amino acid substitution p.Lys183Glu. To our knowledge, this variant has not been reported in the literature or in a large population database, indicating this variant is rare. At this time, the clinical significance of this variant is uncertain due to the absence of conclusive functional and genetic evidence.